The following is an entry in ClinVar:

ClinVar aggregate classification (germline): Uncertain significance (1 of 4 stars; one submission).

Allele frequency attached by ClinVar (database versions not stated): gnomAD 0.00001; gnomAD exomes 0.00001; ExAC 0.00002.
gnomAD v4.1: 9 of 1,613,212 alleles (0.00056%); highest among the groups gnomAD compares: Middle Eastern, 0.033%; no homozygotes.

Submission:

Labcorp Genetics (formerly Invitae), Labcorp
Classification: Uncertain significance. Last evaluated: 2023-04-22. Review status: criteria provided, single submitter. Criteria: Invitae Variant Classification Sherloc (09022015). Collection method: clinical testing. Allele origin: germline.
Comment: In summary, the available evidence is currently insufficient to determine the role of this variant in disease. Therefore, it has been classified as a Variant of Uncertain Significance. Advanced modeling of protein sequence and biophysical properties (such as structural, functional, and spatial information, amino acid conservation, physicochemical variation, residue mobility, and thermodynamic stability) performed at Invitae indicates that this missense variant is not expected to disrupt CLTC protein function. ClinVar contains an entry for this variant (Variation ID: 2164000). This variant has not been reported in the literature in individuals affected with CLTC-related conditions. This variant is present in population databases (rs781066265, gnomAD 0.01%). This sequence change replaces isoleucine, which is neutral and non-polar, with threonine, which is neutral and polar, at codon 703 of the CLTC protein (p.Ile703Thr).

NM_004859.4(CLTC):c.2096T>C (p.Ile699Thr)

Gene: CLTC (clathrin heavy chain; plus strand). Cytogenetic location: 17q23.1.
Variant type: single nucleotide variant.
Coding change: c.2096T>C on transcript NM_004859.4 (MANE Select); coding-DNA position 2096, T replaced by C.
Protein change: p.Ile699Thr; replaces isoleucine 699 with threonine.
Molecular consequence: missense variant.
Genome position (GRCh38, 1-based): chr17:59,666,945, T>C. VCF-style: chr17-59666945-T-C. GRCh37 (hg19) VCF-style: chr17-57744306-T-C.
Other names: c.2108T>C, p.Ile703Thr (NM_001288653.2); short protein forms I703T, I699T.
Identifiers: ClinVar variation 2164000 (VCV002164000.4), dbSNP rs781066265, ClinGen allele CA8681340.